The following is an entry in ClinVar:

NM_003001.3(SDHC):c.*1800G>C

Gene: SDHC (succinate dehydrogenase complex subunit C; plus strand). Cytogenetic location: 1q23.3.
Variant type: single nucleotide variant.
Coding change: c.*1800G>C on transcript NM_003001.3; 1800 bases downstream of the stop codon, G replaced by C.
Genome position (GRCh38, 1-based): chr1:161,364,233, G>C. VCF-style: chr1-161364233-G-C. GRCh37 (hg19) VCF-style: chr1-161334023-G-C.
Identifiers: ClinVar variation 293358 (VCV000293358.7), dbSNP rs72714988, ClinGen allele CA10608199.

ClinVar aggregate classification (germline): Benign (1 of 4 stars; one submission).

Conditions:
Hereditary pheochromocytoma and paraganglioma. Also called: Hereditary Paraganglioma-Pheochromocytoma Syndromes; Hereditary paragangliomas and pheochromocytomas; Hereditary pheochromocytoma-paraganglioma. Identifiers: Orphanet 29072, MedGen C4274332, MONDO:0017366.

Allele frequency attached by ClinVar (database versions not stated): 1000 Genomes Project 0.02875; gnomAD 0.04987 and 0.04900; 1000 Genomes Project 30x 0.02842; TOPMed 0.04978; gnomAD exomes 0.06518.

Submission:

Illumina Laboratory Services, Illumina
Classification: Benign for Hereditary Paraganglioma-Pheochromocytoma Syndromes. Last evaluated: 2018-01-12. Review status: criteria provided, single submitter. Criteria: ICSL Variant Classification Criteria 13 December 2019. Collection method: clinical testing. Allele origin: germline.
Comment: This variant was observed in the ICSL laboratory as part of a predisposition screen in an ostensibly healthy population. It had not been previously curated by ICSL or reported in the Human Gene Mutation Database (HGMD: prior to June 1st, 2018), and was therefore a candidate for classification through an automated scoring system. Utilizing variant allele frequency, disease prevalence and penetrance estimates, and inheritance mode, an automated score was calculated to assess if this variant is too frequent to cause the disease. Based on the score and internal cut-off values, a variant classified as benign is not then subjected to further curation. The score for this variant resulted in a classification of benign for this disease.